The following is an entry in ClinVar:

NM_058195.4(CDKN2A):c.173A>G (p.Gln58Arg)

Gene: CDKN2A (cyclin dependent kinase inhibitor 2A; minus strand). Cytogenetic location: 9p21.3.
Variant type: single nucleotide variant.
Coding change: c.173A>G on transcript NM_058195.4 (MANE Plus Clinical); coding-DNA position 173, A replaced by G.
Protein change: p.Gln58Arg; replaces glutamine 58 with arginine.
Molecular consequence: missense variant. On other transcripts: intron variant (1).
Genome position (GRCh38, 1-based): chr9:21,994,159, T>C on the plus strand (A>G on the coding strand, the complement: CDKN2A is on the minus strand). VCF-style: chr9-21994159-T-C. GRCh37 (hg19) VCF-style: chr9-21994158-T-C.
Other names: c.-4+662A>G (NM_001363763.2); short protein forms Q58R.
Identifiers: ClinVar variation 1779150 (VCV001779150.3), dbSNP rs2489326851, ClinGen allele CA373086801.
Genomic context (GRCh38, chr9:21,994,159, plus strand): 5'-GTGCCGAATGCGCCCCGGACTTTTCGAGGGCCTTTCCTACCTGGTCTTCTAGGAAGCGGC[T>C]GCTGCCCTAGACGCTGGCTCCTCAGTAGCATCAGCACGAGGGCCACAGCGGCGGGCGCCC-3'
Protein context (NP_478102.2, residues 48-68): MLLRSQRLGQ[Gln58Arg]PLPRRPGHDD

ClinVar aggregate classification (germline): Uncertain significance. Review status: criteria provided, multiple submitters, no conflicts (2 of 4 stars). 2 submissions from 2 submitters: Uncertain significance (2). Last evaluated 2022-11-15.

Conditions:
Hereditary cancer-predisposing syndrome. Also called: Hereditary neoplastic syndrome; Neoplastic Syndromes, Hereditary; Tumor predisposition; Hereditary Cancer Syndrome. Identifiers: Orphanet 140162, MedGen C0027672, MeSH D009386, MONDO:0015356.

Allele frequency attached by ClinVar (database versions not stated): gnomAD exomes below 0.00001.
gnomAD v4.1: 1 of 1,602,626 alleles (0.000062%); highest among the groups gnomAD compares: East Asian, 0.0022%; no homozygotes.

Submissions (2):

GeneDx
Classification: Uncertain significance. Last evaluated: 2022-11-15. Review status: criteria provided, single submitter. Criteria: GeneDx Variant Classification Process June 2021. Collection method: clinical testing. Allele origin: germline. Affected: yes.
Comment: Not observed at significant frequency in large population cohorts (gnomAD); Has not been previously published as pathogenic or benign to our knowledge; Reported using an alternate transcript of the gene; This variant is associated with the following publications: (PMID: 9653180, 9529249, 16173922)

Ambry Genetics
Classification: Uncertain significance for Hereditary cancer-predisposing syndrome. Last evaluated: 2022-05-04. Review status: criteria provided, single submitter. Criteria: Ambry Variant Classification Scheme 2023. Collection method: clinical testing. Allele origin: germline.
Comment: The p.Q58R variant (also known as c.173A>G), located in coding exon 1 of the CDKN2A (p14ARF) gene, results from an A to G substitution at nucleotide position 173. The glutamine at codon 58 is replaced by arginine, an amino acid with highly similar properties. This amino acid position is not well conserved in available vertebrate species. In addition, this alteration is predicted to be tolerated by in silico analysis. Since supporting evidence is limited at this time, the clinical significance of this alteration remains unclear.